The following is an entry in ClinVar:

ClinVar aggregate classification (germline): Uncertain significance. Review status: criteria provided, multiple submitters, no conflicts (2 of 4 stars). 2 submissions from 2 submitters: Uncertain significance (2). Last evaluated 2026-05-06.

Conditions:
Cardiovascular phenotype. Identifiers: MedGen CN230736.

Allele frequency attached by ClinVar (database versions not stated): gnomAD 0.00001; gnomAD exomes below 0.00001.

Submissions (2):

Ambry Genetics
Classification: Uncertain significance for Cardiovascular phenotype. Last evaluated: 2026-05-06. Review status: criteria provided, single submitter. Criteria: Ambry Variant Classification Scheme 2023. Collection method: clinical testing. Allele origin: germline.

Labcorp Genetics (formerly Invitae), Labcorp
Classification: Uncertain significance. Last evaluated: 2025-03-15. Review status: criteria provided, single submitter. Criteria: Invitae Variant Classification Sherloc (09022015). Collection method: clinical testing. Allele origin: germline.
Comment: This sequence change replaces lysine, which is basic and polar, with glutamic acid, which is acidic and polar, at codon 970 of the ALPK3 protein (p.Lys970Glu). This variant is not present in population databases (gnomAD no frequency). This variant has not been reported in the literature in individuals affected with ALPK3-related conditions. ClinVar contains an entry for this variant (Variation ID: 3227462). Invitae Evidence Modeling of protein sequence and biophysical properties (such as structural, functional, and spatial information, amino acid conservation, physicochemical variation, residue mobility, and thermodynamic stability) indicates that this missense variant is not expected to disrupt ALPK3 protein function with a negative predictive value of 80%. In summary, the available evidence is currently insufficient to determine the role of this variant in disease. Therefore, it has been classified as a Variant of Uncertain Significance.

NM_020778.5(ALPK3):c.2302A>G (p.Lys768Glu)

Gene: ALPK3 (alpha kinase 3; plus strand). Cytogenetic location: 15q25.3.
Variant type: single nucleotide variant.
Coding change: c.2302A>G on transcript NM_020778.5 (MANE Select); coding-DNA position 2302, A replaced by G.
Protein change: p.Lys768Glu; replaces lysine 768 with glutamic acid.
Molecular consequence: missense variant.
Genome position (GRCh38, 1-based): chr15:84,857,040, A>G. VCF-style: chr15-84857040-A-G. GRCh37 (hg19) VCF-style: chr15-85400271-A-G.
Other names: short protein forms K768E.
Identifiers: ClinVar variation 3227462 (VCV003227462.4), dbSNP rs1963871401, ClinGen allele CA393356679.